The following is an entry in ClinVar:

ClinVar aggregate classification (germline): Uncertain significance (1 of 4 stars; one submission).

Conditions:
Werner syndrome (WRN). Identifiers: Orphanet 902, MedGen C0043119, MONDO:0010196, OMIM 277700.

Submission:

Labcorp Genetics (formerly Invitae), Labcorp
Classification: Uncertain significance for Werner syndrome. Last evaluated: 2022-05-27. Review status: criteria provided, single submitter. Criteria: Invitae Variant Classification Sherloc (09022015). Collection method: clinical testing. Allele origin: germline.
Comment: This sequence change replaces glycine with valine at codon 589 of the WRN protein (p.Gly589Val). The glycine residue is moderately conserved and there is a moderate physicochemical difference between glycine and valine. This variant is not present in population databases (gnomAD no frequency). This variant has not been reported in the literature in individuals affected with WRN-related conditions. Algorithms developed to predict the effect of missense changes on protein structure and function are either unavailable or do not agree on the potential impact of this missense change (SIFT: "Not Available"; PolyPhen-2: "Probably Damaging"; Align-GVGD: "Not Available"). In summary, the available evidence is currently insufficient to determine the role of this variant in disease. Therefore, it has been classified as a Variant of Uncertain Significance.

NM_000553.6(WRN):c.1766G>T (p.Gly589Val)

Gene: WRN (WRN RecQ like helicase; plus strand). Cytogenetic location: 8p12.
Variant type: single nucleotide variant.
Coding change: c.1766G>T on transcript NM_000553.6 (MANE Select); coding-DNA position 1766, G replaced by T.
Protein change: p.Gly589Val; replaces glycine 589 with valine.
Molecular consequence: missense variant.
Genome position (GRCh38, 1-based): chr8:31,090,879, G>T. VCF-style: chr8-31090879-G-T. GRCh37 (hg19) VCF-style: chr8-30948395-G-T.
Other names: short protein forms G589V.
Identifiers: ClinVar variation 1406493 (VCV001406493.3), dbSNP rs2130173745, ClinGen allele CA370927775.
Genomic context (GRCh38, chr8:31,090,879, plus strand): 5'-TTTTTTCATTTCAAGGATATGGAAAGAGTTTGTGCTTCCAGTATCCACCTGTTTATGTAG[G>T]CAAGATTGGCCTTGTTATCTCTCCCCTTATTTCTCTGATGGAAGACCAAGTGCTACAGCT-3'
Protein context (NP_000544.2, residues 579-599): LCFQYPPVYV[Gly589Val]KIGLVISPLI